The following is an entry in ClinVar:

ClinVar aggregate classification (germline): Uncertain significance (1 of 4 stars; one submission).

Conditions:
Gastrointestinal stromal tumor. Also called: Gastrointestinal stromal tumor, somatic; Gastrointestinal stroma tumor. Identifiers: Orphanet 44890, MedGen C0238198, MeSH D046152, MONDO:0011719, OMIM 606764, HP:0100723.

Submission:

Labcorp Genetics (formerly Invitae), Labcorp
Classification: Uncertain significance for Gastrointestinal stromal tumor. Last evaluated: 2020-03-08. Review status: criteria provided, single submitter. Criteria: Invitae Variant Classification Sherloc (09022015). Collection method: clinical testing. Allele origin: germline.
Comment: In summary, the available evidence is currently insufficient to determine the role of this variant in disease. Therefore, it has been classified as a Variant of Uncertain Significance. Algorithms developed to predict the effect of missense changes on protein structure and function are either unavailable or do not agree on the potential impact of this missense change (SIFT: "Tolerated"; PolyPhen-2: "Possibly Damaging"; Align-GVGD: "Class C0"). This variant has not been reported in the literature in individuals with PDGFRA-related conditions. This variant is not present in population databases (ExAC no frequency). This sequence change replaces tyrosine with histidine at codon 101 of the PDGFRA protein (p.Tyr101His). The tyrosine residue is moderately conserved and there is a moderate physicochemical difference between tyrosine and histidine.

NM_006206.6(PDGFRA):c.301T>C (p.Tyr101His)

Gene: PDGFRA (platelet derived growth factor receptor alpha; plus strand). Cytogenetic location: 4q12.
Variant type: single nucleotide variant.
Coding change: c.301T>C on transcript NM_006206.6 (MANE Select); coding-DNA position 301, T replaced by C.
Protein change: p.Tyr101His; replaces tyrosine 101 with histidine.
Molecular consequence: missense variant.
Genome position (GRCh38, 1-based): chr4:54,261,346, T>C. VCF-style: chr4-54261346-T-C. GRCh37 (hg19) VCF-style: chr4-55127513-T-C.
Other names: c.301T>C, p.Tyr101His (NM_001347827.2, NM_001347829.2); c.376T>C, p.Tyr126His (NM_001347828.2); c.340T>C, p.Tyr114His (NM_001347830.2); short protein forms Y126H, Y101H, Y114H.
Identifiers: ClinVar variation 1044025 (VCV001044025.9), dbSNP rs1722703170, ClinGen allele CA356888852.